The following is an entry in ClinVar:

ClinVar aggregate classification (germline): Uncertain significance (1 of 4 stars; one submission).

gnomAD v4.1: 9 of 1,613,856 alleles (0.00056%); highest among the groups gnomAD compares: East Asian, 0.02%; no homozygotes.

Submission:

Ambry Genetics
Classification: Uncertain significance. Last evaluated: 2025-10-18. Review status: criteria provided, single submitter. Criteria: Ambry Variant Classification Scheme 2023. Collection method: clinical testing. Allele origin: germline.
Comment: The c.5324A>C (p.K1775T) alteration is located in exon 5 (coding exon 3) of the ZDBF2 gene. This alteration results from a A to C substitution at nucleotide position 5324, causing the lysine (K) at amino acid position 1775 to be replaced by a threonine (T). Based on data from gnomAD, the C allele has an overall frequency of 0.002% (6/280302) total alleles studied. The highest observed frequency was 0.031% (6/19514) of East Asian alleles. Based on insufficient or conflicting evidence, the clinical significance of this alteration remains unclear.

NM_020923.3(ZDBF2):c.5324A>C (p.Lys1775Thr)

Gene: ZDBF2 (zinc finger DBF-type containing 2; plus strand). Cytogenetic location: 2q33.3.
Variant type: single nucleotide variant.
Coding change: c.5324A>C on transcript NM_020923.3 (MANE Select); coding-DNA position 5324, A replaced by C.
Protein change: p.Lys1775Thr; replaces lysine 1775 with threonine.
Molecular consequence: missense variant.
Genome position (GRCh38, 1-based): chr2:206,309,852, A>C. VCF-style: chr2-206309852-A-C. GRCh37 (hg19) VCF-style: chr2-207174576-A-C.
Other names: c.5318A>C, p.Lys1773Thr (NM_001285549.2); c.5324A>C, p.Lys1775Thr (NM_001369654.1); short protein forms K1773T, K1775T.
Identifiers: ClinVar variation 4607078 (VCV004607078.1).